The following is an entry in ClinVar:

NM_003839.4(TNFRSF11A):c.718A>G (p.Lys240Glu)

Gene: TNFRSF11A (TNF receptor superfamily member 11a; plus strand). Cytogenetic location: 18q21.33.
Variant type: single nucleotide variant.
Coding change: c.718A>G on transcript NM_003839.4 (MANE Select); coding-DNA position 718, A replaced by G.
Protein change: p.Lys240Glu; replaces lysine 240 with glutamic acid.
Molecular consequence: missense variant. On other transcripts: intron variant (1).
Genome position (GRCh38, 1-based): chr18:62,361,781, A>G. VCF-style: chr18-62361781-A-G. GRCh37 (hg19) VCF-style: chr18-60029014-A-G.
Other names: c.718A>G, p.Lys240Glu (NM_001270949.2, NM_001270950.2); c.676A>G, p.Lys226Glu (NM_001278268.2); c.616+1732A>G (NM_001270951.2); short protein forms K240E, K226E.
Identifiers: ClinVar variation 287370 (VCV000287370.43), dbSNP rs148185533, ClinGen allele CA8983840.
Genomic context (GRCh38, chr18:62,361,781, plus strand): 5'-TTCGCGTCTGTGGCCCTGGTGGCTGCCATCATCTTTGGCGTTTGCTATAGGAAAAAAGGG[A>G]AAGCACTCACAGGTATTGTGTCTATGGTGGTTTTTGCAAACCAATCTTAAAAGATAGATT-3'
Protein context (NP_003830.1, residues 230-250): IFGVCYRKKG[Lys240Glu]ALTANLWHWI

ClinVar aggregate classification (germline): Conflicting classifications of pathogenicity. Review status: criteria provided, conflicting classifications (1 of 4 stars). 6 submissions from 6 submitters: Uncertain significance (2); Benign (1); Likely benign (2). 1 of the submissions does not count toward it. Last evaluated 2026-02-01.

Conditions:
TNFRSF11A-related disorder. Also called: TNFRSF11A-related condition.
Familial expansile osteolysis (FEO). Also called: POLYOSTOTIC OSTEOLYTIC DYSPLASIA, HEREDITARY EXPANSILE; MCCABE DISEASE. Identifiers: Orphanet 85195, MedGen C0432292, MONDO:0008275, OMIM 174810.
Autosomal recessive osteopetrosis 7. Identifiers: Orphanet 178389, MedGen C2676766, MONDO:0012859, OMIM 612301.
Paget disease of bone 2, early-onset (PDB2). Also called: Paget disease of bone 2. Identifiers: MedGen C4085251, MONDO:0011183, OMIM 602080.

Allele frequency attached by ClinVar (database versions not stated): 1000 Genomes Project 30x 0.00016; 1000 Genomes Project 0.00020; gnomAD 0.00066 and 0.00068; gnomAD exomes 0.00067 and 0.00108; TOPMed 0.00082; ESP Exome Variant Server 0.00085; ExAC 0.00089.
gnomAD v4.1: 1,163 of 1,613,946 alleles (0.072%); highest among the groups gnomAD compares: Middle Eastern, 0.89%; 5 homozygotes.

Submissions (6):

Labcorp Genetics (formerly Invitae), Labcorp
Classification: Benign. Last evaluated: 2026-02-01. Review status: criteria provided, single submitter. Criteria: Invitae Variant Classification Sherloc (09022015). Collection method: clinical testing. Allele origin: germline.

CeGaT Center for Human Genetics Tuebingen
Classification: Likely benign. Last evaluated: 2025-01-01. Review status: criteria provided, single submitter. Criteria: CeGaT Center For Human Genetics Tuebingen Variant Classification Criteria Version 2. Collection method: clinical testing. Allele origin: germline. Affected: yes. Observed: 2 variant alleles.
Comment: TNFRSF11A: BS2

Blueprint Genetics
Classification: Likely benign. Last evaluated: 2024-11-18. Review status: criteria provided, single submitter. Criteria: ACMG Guidelines, 2015. Collection method: clinical testing. Allele origin: germline.

Fulgent Genetics
Classification: Uncertain significance for Familial expansile osteolysis; Paget disease of bone 2, early-onset; Autosomal recessive osteopetrosis 7. Last evaluated: 2018-10-31. Review status: criteria provided, single submitter. Criteria: ACMG Guidelines, 2015. Collection method: clinical testing. Allele origin: unknown.

Eurofins Ntd Llc (ga)
Classification: Uncertain significance. Last evaluated: 2016-04-20. Review status: criteria provided, single submitter. Criteria: EGL Classification Definitions 2015. Collection method: clinical testing. Allele origin: germline. Observed: 2 variant alleles, 2 heterozygotes.

PreventionGenetics, part of Exact Sciences
Classification: Benign for TNFRSF11A-related condition. Last evaluated: 2022-10-17. Review status: no assertion criteria provided. Collection method: clinical testing. Allele origin: germline. Not counted in ClinVar's aggregate classification.
Comment: This variant is classified as benign based on ACMG/AMP sequence variant interpretation guidelines (Richards et al. 2015 PMID: 25741868, with internal and published modifications).